The following is an entry in ClinVar:

NM_001003693.3(LY6G6F):c.303C>T (p.Ala101=)

Genes: LY6G6F (lymphocyte antigen 6 family member G6F; plus strand), LY6G6F-LY6G6D (LY6G6F-LY6G6D readthrough; plus strand). Cytogenetic location: 6p21.33.
Variant type: single nucleotide variant.
Coding change: c.303C>T on transcript NM_001003693.3 (MANE Select); coding-DNA position 303, C replaced by T.
Protein change: p.Ala101=; no amino-acid change (alanine 101 retained).
Molecular consequence: synonymous variant.
Genome position (GRCh38, 1-based): chr6:31,707,708, C>T. VCF-style: chr6-31707708-C-T. GRCh37 (hg19) VCF-style: chr6-31675485-C-T.
Other names: c.303C>T, p.Ala101= (NM_001353334.2).
Identifiers: ClinVar variation 5040895 (VCV005040895.1).

ClinVar aggregate classification (germline): Likely benign (1 of 4 stars; one submission).

Submission:

CeGaT Center for Human Genetics Tuebingen
Classification: Likely benign. Last evaluated: 2026-09-01. Review status: criteria provided, single submitter. Criteria: CeGaT Center For Human Genetics Tuebingen Variant Classification Criteria Version 2. Collection method: clinical testing. Allele origin: germline. Affected: yes. Observed: 1 variant allele.
Comment: LY6G6F: BP4, BP7